The following is an entry in ClinVar:

ClinVar aggregate classification (germline): Uncertain significance (1 of 4 stars; one submission).

Submission:

GeneDx
Classification: Uncertain significance. Last evaluated: 2022-11-07. Review status: criteria provided, single submitter. Criteria: GeneDx Variant Classification Process June 2021. Collection method: clinical testing. Allele origin: germline. Affected: yes.
Comment: Not observed at significant frequency in large population cohorts (gnomAD); In silico analysis supports that this missense variant does not alter protein structure/function; Has not been previously published as pathogenic or benign to our knowledge

NM_078629.4(MSL3):c.1562A>T (p.Tyr521Phe)

Gene: MSL3 (MSL complex subunit 3; plus strand). Cytogenetic location: Xp22.2.
Variant type: single nucleotide variant.
Coding change: c.1562A>T on transcript NM_078629.4 (MANE Select); coding-DNA position 1562, A replaced by T.
Protein change: p.Tyr521Phe; replaces tyrosine 521 with phenylalanine.
Molecular consequence: missense variant.
Genome position (GRCh38, 1-based): chrX:11,775,075, A>T. VCF-style: chrX-11775075-A-T. GRCh37 (hg19) VCF-style: chrX-11793194-A-T.
Other names: c.1526A>T, p.Tyr509Phe (NM_001193270.2); c.1115A>T, p.Tyr372Phe (NM_001282174.1); c.1064A>T, p.Tyr355Phe (NM_006800.4); short protein forms Y355F, Y372F, Y509F, Y521F.
Identifiers: ClinVar variation 2501380 (VCV002501380.1), dbSNP rs752067112, ClinGen allele CA412067446.